The following is an entry in ClinVar:

ClinVar aggregate classification (germline): Likely pathogenic (1 of 4 stars; one submission).

Conditions:
Epidermolysis bullosa dystrophica. Also called: Dystrophic epidermolysis bullosa, Hallopeau-Siemens type (formerly); Dystrophic epidermolysis bullosa. Identifiers: Orphanet 303, MedGen C0079294, MONDO:0006543.

Submission:

Natera, Inc.
Classification: Likely pathogenic for Dystrophic epidermolysis bullosa. Last evaluated: 2025-12-23. Review status: criteria provided, single submitter. Criteria: Natera Variant Classification Schema (03/2026). Collection method: clinical testing. Allele origin: germline.
Comment: The c.7987dup variant in COL7A1 is a frameshift variant predicted to shift the reading frame beginning at codon 2663 and leads to a stop codon 22 codons downstream. This variant is expected to result in nonsense mediated decay, truncation, or a dysfunctional protein product. This variant is rare in the general population with a frequency below the threshold expected for the associated phenotype(s). Given the available evidence, this variant is classified as Likely Pathogenic.

NM_000094.3(COL7A1):c.7987dup

Gene: COL7A1 (collagen type VII alpha 1 chain; minus strand). Cytogenetic location: 3p21.31.
Variant type: Duplication.
Coding change: c.7987dup on transcript NM_000094.3; coding-DNA position 7987, one base duplicated (G; older notation c.7987dupG).
Genome position (GRCh38, 1-based): chr3:48,567,633, C duplicated on the plus strand (G on the coding strand, the reverse complement: COL7A1 is on the minus strand); the first of 5 consecutive C bases (chr3:48,567,633-48,567,637); duplicating any one gives the same sequence. VCF-style (leftmost placement, unchanged base first): chr3-48567632-T-TC. GRCh37 (hg19) VCF-style: chr3-48605065-T-TC.
Identifiers: ClinVar variation 4817407 (VCV004817407.1).